The following is an entry in ClinVar:

NM_003482.4(KMT2D):c.8600C>T (p.Pro2867Leu)

Gene: KMT2D (lysine methyltransferase 2D; minus strand). Cytogenetic location: 12q13.12.
Variant type: single nucleotide variant.
Coding change: c.8600C>T on transcript NM_003482.4 (MANE Select); coding-DNA position 8600, C replaced by T.
Protein change: p.Pro2867Leu; replaces proline 2867 with leucine.
Molecular consequence: missense variant.
Genome position (GRCh38, 1-based): chr12:49,038,756, G>A on the plus strand (C>T on the coding strand, the complement: KMT2D is on the minus strand). VCF-style: chr12-49038756-G-A. GRCh37 (hg19) VCF-style: chr12-49432539-G-A.
Other names: short protein forms P2867L.
Identifiers: ClinVar variation 2695302 (VCV002695302.3), dbSNP rs1344595145, ClinGen allele CA384741580.

ClinVar aggregate classification (germline): Uncertain significance (1 of 4 stars; one submission).

Conditions:
Kabuki syndrome. Also called: NIIKAWA-KUROKI SYNDROME; Kabuki make-up syndrome. Identifiers: Orphanet 2322, MedGen C0796004, MONDO:0016512.

Submission:

Labcorp Genetics (formerly Invitae), Labcorp
Classification: Uncertain significance for Kabuki syndrome. Last evaluated: 2023-12-13. Review status: criteria provided, single submitter. Criteria: Invitae Variant Classification Sherloc (09022015). Collection method: clinical testing. Allele origin: germline.
Comment: This sequence change replaces proline, which is neutral and non-polar, with leucine, which is neutral and non-polar, at codon 2867 of the KMT2D protein (p.Pro2867Leu). This variant is not present in population databases (gnomAD no frequency). This variant has not been reported in the literature in individuals affected with KMT2D-related conditions. Advanced modeling of protein sequence and biophysical properties (such as structural, functional, and spatial information, amino acid conservation, physicochemical variation, residue mobility, and thermodynamic stability) performed at Invitae indicates that this missense variant is not expected to disrupt KMT2D protein function with a negative predictive value of 95%. In summary, the available evidence is currently insufficient to determine the role of this variant in disease. Therefore, it has been classified as a Variant of Uncertain Significance.